The following is an entry in ClinVar:

NM_014795.4(ZEB2):c.50A>G (p.Gln17Arg)

Gene: ZEB2 (zinc finger E-box binding homeobox 2; minus strand). Cytogenetic location: 2q22.3.
Variant type: single nucleotide variant.
Coding change: c.50A>G on transcript NM_014795.4 (MANE Select); coding-DNA position 50, A replaced by G.
Protein change: p.Gln17Arg; replaces glutamine 17 with arginine.
Molecular consequence: missense variant. On other transcripts: non-coding transcript variant (1).
Genome position (GRCh38, 1-based): chr2:144,517,301, T>C on the plus strand (A>G on the coding strand, the complement: ZEB2 is on the minus strand). VCF-style: chr2-144517301-T-C. GRCh37 (hg19) VCF-style: chr2-145274868-T-C.
Other names: c.50A>G, p.Gln17Arg (NM_001171653.2); short protein forms Q17R.
Identifiers: ClinVar variation 1020883 (VCV001020883.8), dbSNP rs1705170829, ClinGen allele CA348858347.
Genomic context (GRCh38, chr2:144,517,301, plus strand): 5'-AGTGGCCCGGAAAAGTTTGGTTCGGGCTGCTTCTTACCGTTTTTCCTCCTGGGATTGGCT[T>C]GTTTGCGCCTCTTGCACCGGGGGCCATCCGCCATGATCGGCTGCTTCATTGATAAGAGCG-3'
Protein context (NP_055610.1, residues 7-27): ADGPRCKRRK[Gln17Arg]ANPRRKNVVN

ClinVar aggregate classification (germline): Uncertain significance (1 of 4 stars; one submission).

Conditions:
Mowat-Wilson syndrome (MOWS). Also called: Classic Mowat-Wilson Syndrome. Identifiers: Orphanet 2152, MedGen C1856113, MONDO:0009341, OMIM 235730.

Submission:

Labcorp Genetics (formerly Invitae), Labcorp
Classification: Uncertain significance for Mowat-Wilson syndrome. Last evaluated: 2020-09-09. Review status: criteria provided, single submitter. Criteria: Invitae Variant Classification Sherloc (09022015). Collection method: clinical testing. Allele origin: germline.
Comment: This sequence change replaces glutamine with arginine at codon 17 of the ZEB2 protein (p.Gln17Arg). The glutamine residue is moderately conserved and there is a small physicochemical difference between glutamine and arginine. This variant is not present in population databases (ExAC no frequency). This variant has not been reported in the literature in individuals with ZEB2-related conditions. Algorithms developed to predict the effect of missense changes on protein structure and function (SIFT, PolyPhen-2, Align-GVGD) all suggest that this variant is likely to be tolerated, but these predictions have not been confirmed by published functional studies and their clinical significance is uncertain. In summary, the available evidence is currently insufficient to determine the role of this variant in disease. Therefore, it has been classified as a Variant of Uncertain Significance.